The following is an entry in ClinVar:

NM_000051.4(ATM):c.7627A>G (p.Asn2543Asp)

Genes: ATM (ATM serine/threonine kinase; plus strand), C11orf65 (chromosome 11 open reading frame 65; minus strand). Cytogenetic location: 11q22.3.
Variant type: single nucleotide variant.
Coding change: c.7627A>G on transcript NM_000051.4 (MANE Select); coding-DNA position 7627, A replaced by G.
Protein change: p.Asn2543Asp; replaces asparagine 2543 with aspartic acid.
Molecular consequence: missense variant. On other transcripts: non-coding transcript variant (1), intron variant (2).
Genome position (GRCh38, 1-based): chr11:108,331,555, A>G. VCF-style: chr11-108331555-A-G. GRCh37 (hg19) VCF-style: chr11-108202282-A-G.
Other names: c.7627A>G, p.Asn2543Asp (NM_001351834.2); c.641-22484T>C (NM_001330368.2); c.*38+3665T>C (NM_001351110.2); short protein forms N2543D.
Identifiers: ClinVar variation 827158 (VCV000827158.8), dbSNP rs1591168132, ClinGen allele CA382560869.

ClinVar aggregate classification (germline): Uncertain significance. Review status: criteria provided, multiple submitters, no conflicts (2 of 4 stars). 2 submissions from 2 submitters: Uncertain significance (2). Last evaluated 2024-12-15.

Conditions:
Hereditary cancer-predisposing syndrome. Also called: Tumor predisposition; Neoplastic Syndromes, Hereditary; Hereditary Cancer Syndrome; Hereditary neoplastic syndrome. Identifiers: Orphanet 140162, MedGen C0027672, MeSH D009386, MONDO:0015356.
Ataxia-telangiectasia syndrome (AT). Also called: ATAXIA-TELANGIECTASIA, COMPLEMENTATION GROUP A; ATAXIA-TELANGIECTASIA, FRESNO VARIANT; Ataxia-telangiectasia; Ataxia-telangiectasia, complementation group D; AT, COMPLEMENTATION GROUP C; Ataxia-telangiectasia, complementation group E. Identifiers: Orphanet 100, MedGen C0004135, MONDO:0008840, OMIM 208900.

Submissions (2):

Labcorp Genetics (formerly Invitae), Labcorp
Classification: Uncertain significance for Ataxia-telangiectasia syndrome. Last evaluated: 2024-12-15. Review status: criteria provided, single submitter. Criteria: Invitae Variant Classification Sherloc (09022015). Collection method: clinical testing. Allele origin: germline.
Comment: This sequence change replaces asparagine, which is neutral and polar, with aspartic acid, which is acidic and polar, at codon 2543 of the ATM protein (p.Asn2543Asp). This variant is not present in population databases (gnomAD no frequency). This variant has not been reported in the literature in individuals affected with ATM-related conditions. ClinVar contains an entry for this variant (Variation ID: 827158). An algorithm developed to predict the effect of missense changes on protein structure and function (PolyPhen-2) suggests that this variant is likely to be tolerated. In summary, the available evidence is currently insufficient to determine the role of this variant in disease. Therefore, it has been classified as a Variant of Uncertain Significance.

Ambry Genetics
Classification: Uncertain significance for Hereditary cancer-predisposing syndrome. Last evaluated: 2019-01-10. Review status: criteria provided, single submitter. Criteria: Ambry Variant Classification Scheme 2023. Collection method: clinical testing. Allele origin: germline.
Comment: The p.N2543D variant (also known as c.7627A>G), located in coding exon 50 of the ATM gene, results from an A to G substitution at nucleotide position 7627. The asparagine at codon 2543 is replaced by aspartic acid, an amino acid with highly similar properties. This amino acid position is well conserved in available vertebrate species. In addition, this alteration is predicted to be tolerated by in silico analysis. Since supporting evidence is limited at this time, the clinical significance of this alteration remains unclear.